The following is an entry in ClinVar:

NM_172364.5(CACNA2D4):c.869A>G (p.Lys290Arg)

Gene: CACNA2D4 (calcium voltage-gated channel auxiliary subunit alpha2delta 4; minus strand). Cytogenetic location: 12p13.33.
Variant type: single nucleotide variant.
Coding change: c.869A>G on transcript NM_172364.5 (MANE Select); coding-DNA position 869, A replaced by G.
Protein change: p.Lys290Arg; replaces lysine 290 with arginine.
Molecular consequence: missense variant.
Genome position (GRCh38, 1-based): chr12:1,886,347, T>C on the plus strand (A>G on the coding strand, the complement: CACNA2D4 is on the minus strand). VCF-style: chr12-1886347-T-C. GRCh37 (hg19) VCF-style: chr12-1995513-T-C.
Other names: short protein forms K290R.
Identifiers: ClinVar variation 1923428 (VCV001923428.5), dbSNP rs1324854661, ClinGen allele CA383360915.

ClinVar aggregate classification (germline): Uncertain significance (1 of 4 stars; one submission).

Allele frequency attached by ClinVar (database versions not stated): TOPMed below 0.00001; gnomAD exomes 0.00002.
gnomAD v4.1: 33 of 1,613,864 alleles (0.002%); highest among the groups gnomAD compares: Non-Finnish European, 0.0028%; no homozygotes.

Submission:

Labcorp Genetics (formerly Invitae), Labcorp
Classification: Uncertain significance. Last evaluated: 2021-11-25. Review status: criteria provided, single submitter. Criteria: Invitae Variant Classification Sherloc (09022015). Collection method: clinical testing. Allele origin: germline.
Comment: In summary, the available evidence is currently insufficient to determine the role of this variant in disease. Therefore, it has been classified as a Variant of Uncertain Significance. Algorithms developed to predict the effect of sequence changes on RNA splicing suggest that this variant may create or strengthen a splice site. Algorithms developed to predict the effect of missense changes on protein structure and function (SIFT, PolyPhen-2, Align-GVGD) all suggest that this variant is likely to be disruptive. This variant has not been reported in the literature in individuals affected with CACNA2D4-related conditions. This variant is present in population databases (no rsID available, gnomAD 0.0009%). This sequence change replaces lysine, which is basic and polar, with arginine, which is basic and polar, at codon 290 of the CACNA2D4 protein (p.Lys290Arg).